The following is an entry in ClinVar:

ClinVar aggregate classification (germline): Uncertain significance. Review status: criteria provided, single submitter (1 of 4 stars). 2 submissions from 2 submitters: Uncertain significance (1). 1 of the submissions does not count toward it. Last evaluated 2024-11-28.

Conditions:
PKHD1L1-related disorder. Also called: PKHD1L1-related condition.

gnomAD v4.1: 134 of 1,607,328 alleles (0.0083%); highest among the groups gnomAD compares: African/African-American, 0.14%; 1 homozygote.

Submissions (2):

Ambry Genetics
Classification: Uncertain significance. Last evaluated: 2024-11-28. Review status: criteria provided, single submitter. Criteria: Ambry Variant Classification Scheme 2023. Collection method: clinical testing. Allele origin: germline.

PreventionGenetics, part of Exact Sciences
Classification: Likely benign for PKHD1L1-related condition. Last evaluated: 2024-06-28. Review status: no assertion criteria provided. Collection method: clinical testing. Allele origin: germline. Not counted in ClinVar's aggregate classification.
Comment: This variant is classified as likely benign based on ACMG/AMP sequence variant interpretation guidelines (Richards et al. 2015 PMID: 25741868, with internal and published modifications).

NM_177531.6(PKHD1L1):c.2023G>A (p.Ala675Thr)

Gene: PKHD1L1 (PKHD1 like 1; plus strand). Cytogenetic location: 8q23.1.
Variant type: single nucleotide variant.
Coding change: c.2023G>A on transcript NM_177531.6 (MANE Select); coding-DNA position 2023, G replaced by A.
Protein change: p.Ala675Thr; replaces alanine 675 with threonine.
Molecular consequence: missense variant.
Genome position (GRCh38, 1-based): chr8:109,409,916, G>A. VCF-style: chr8-109409916-G-A. GRCh37 (hg19) VCF-style: chr8-110422145-G-A.
Other names: short protein forms A675T.
Identifiers: ClinVar variation 3352715 (VCV003352715.2).
Genomic context (GRCh38, chr8:109,409,916, plus strand): 5'-TTAATTTAGTTTCAGGGAGCAGTGGAAGAAATGGTTAGCACTAAGTGTCCACCACAAATT[G>A]CAAATTTTGAAGAAGGATTTGTTGTGAAATATTTCAGAGACTATGAAACTGATTTTAATC-3'
Protein context (NP_803875.2, residues 665-685): MVSTKCPPQI[Ala675Thr]NFEEGFVVKY